The following is an entry in ClinVar:

ClinVar aggregate classification (germline): Pathogenic/Likely pathogenic. Review status: criteria provided, multiple submitters, no conflicts (2 of 4 stars). 2 submissions from 2 submitters: Pathogenic (1); Likely pathogenic (1). Last evaluated 2024-08-29.

Conditions:
Fanconi anemia (FA). Also called: Fanconi's anemia. Identifiers: Orphanet 84, MedGen C0015625, MeSH D005199, MONDO:0019391.
Fanconi anemia complementation group L (FANCL). Also called: FANCL-Related Fanconi Anemia. Identifiers: Orphanet 84, MedGen C3469528, MONDO:0013566, OMIM 614083.

Allele frequency attached by ClinVar (database versions not stated): gnomAD exomes below 0.00001; gnomAD 0.00001.

Submissions (2):

Labcorp Genetics (formerly Invitae), Labcorp
Classification: Pathogenic for Fanconi anemia. Last evaluated: 2024-08-29. Review status: criteria provided, single submitter. Criteria: Invitae Variant Classification Sherloc (09022015). Collection method: clinical testing. Allele origin: germline.
Comment: This sequence change creates a premature translational stop signal (p.Gly344Argfs*5) in the FANCL gene. It is expected to result in an absent or disrupted protein product. Loss-of-function variants in FANCL are known to be pathogenic (PMID: 19405097, 23613520). This variant is not present in population databases (gnomAD no frequency). This variant has not been reported in the literature in individuals affected with FANCL-related conditions. For these reasons, this variant has been classified as Pathogenic.

Baylor Genetics
Classification: Likely pathogenic for Fanconi anemia complementation group L. Last evaluated: 2023-03-28. Review status: criteria provided, single submitter. Criteria: ACMG Guidelines, 2015. Collection method: clinical testing. Allele origin: unknown.

Literature cited by the submitters: PubMed 19405097 (cited by Labcorp Genetics (formerly Invitae), Labcorp); PubMed 23613520 (cited by Labcorp Genetics (formerly Invitae), Labcorp).

NM_018062.4(FANCL):c.1029dup (p.Gly344fs)

Gene: FANCL (FA complementation group L; minus strand). Cytogenetic location: 2p16.1.
Variant type: Duplication.
Coding change: c.1029dup on transcript NM_018062.4 (MANE Select); coding-DNA position 1029, one base duplicated (A; older notation c.1029dupA).
Protein change: p.Gly344fs; shifts the reading frame from glycine 344.
Molecular consequence: frameshift variant.
Genome position (GRCh38, 1-based): chr2:58,160,171, T duplicated on the plus strand (A on the coding strand, the reverse complement: FANCL is on the minus strand). VCF-style (leftmost placement, unchanged base first): chr2-58160170-C-CT. GRCh37 (hg19) VCF-style: chr2-58387305-C-CT.
Other names: c.1044dup, p.Gly349Argfs (NM_001114636.2); c.1074dup, p.Gly359fs (NM_001374615.1); c.1089dup, p.Gly364fs (NM_001410792.1); short protein forms G344fs, G349fs, G359fs, G364fs.
Identifiers: ClinVar variation 2675669 (VCV002675669.3), dbSNP rs1684909842, ClinGen allele CA1253718268.
Genomic context (GRCh38, chr2:58,160,170, plus strand): 5'-TACTACAATATGGACATTCACCAAATATGATGTTAAAACTCTGTCTACTAGTTAGTAGTC[C>CT]TCTCAGCCACTGCAAATTTTAAAAGATAAAGGAGAAGCGTCAGCATGATTACAAATTACA-3'